The following is an entry in ClinVar:

ClinVar aggregate classification (germline): Uncertain significance (1 of 4 stars; one submission).

Conditions:
Leigh syndrome (NULS). Also called: Leigh's necrotizing encephalopathy; Leigh's disease; Leigh Syndrome (mtDNA deletion); Leigh Disease; Subacute necrotizing encephalopathy; Necrotizing encephalopathy infantile subacute of Leigh. Identifiers: Orphanet 506, MedGen C2931891, MONDO:0009723, OMIM 256000.

Submission:

Wong Mito Lab, Molecular and Human Genetics, Baylor College of Medicine
Classification: Uncertain significance for Leigh syndrome. Last evaluated: 2019-10-17. Review status: criteria provided, single submitter. Criteria: Modified ACMG Guidelines (Unpublished). Collection method: clinical testing. Allele origin: germline.
Comment: The NC_012920.1:m.11301T>C (YP_003024035.1:p.Leu181Pro) variant in MTND4 gene is interpretated to be a Uncertain Significance variant based on the modified ACMG guidelines (unpublished). This variant meets the following evidence codes: PP7

NC_012920.1(MT-ND4):m.11301T>C

Gene: MT-ND4 (mitochondrially encoded NADH dehydrogenase 4; plus strand).
Variant type: single nucleotide variant.
Genome position: chrM-11301-T-C.
Identifiers: ClinVar variation 693360 (VCV000693360.1), dbSNP rs1603223221, ClinGen allele CA414809886.